The following is an entry in ClinVar:

NM_016203.4(PRKAG2):c.1178G>A (p.Gly393Glu)

Gene: PRKAG2 (protein kinase AMP-activated non-catalytic subunit gamma 2; minus strand). Cytogenetic location: 7q36.1.
Variant type: single nucleotide variant.
Coding change: c.1178G>A on transcript NM_016203.4 (MANE Select); coding-DNA position 1178, G replaced by A.
Protein change: p.Gly393Glu; replaces glycine 393 with glutamic acid.
Molecular consequence: missense variant.
Genome position (GRCh38, 1-based): chr7:151,568,771, C>T on the plus strand (G>A on the coding strand, the complement: PRKAG2 is on the minus strand). VCF-style: chr7-151568771-C-T. GRCh37 (hg19) VCF-style: chr7-151265857-C-T.
Other names: c.806G>A, p.Gly269Glu (NM_001407028.1, NM_001363698.2); c.803G>A, p.Gly268Glu (NM_001407029.1, NM_001304527.2); c.890G>A, p.Gly297Glu (NM_001407030.1); c.1046G>A, p.Gly349Glu (NM_001040633.2, NM_001407024.1); c.455G>A, p.Gly152Glu (NM_001304531.2, NM_001407034.1, NM_001407035.1 and 1 more transcripts); c.1178G>A, p.Gly393Glu (NM_001407021.1); c.1175G>A, p.Gly392Glu (NM_001407022.1, NM_001407023.1); c.1043G>A, p.Gly348Glu (NM_001407026.1, NM_001407027.1); and 6 more; short protein forms G151E, G152E, G168E, G172E, G268E, G269E, G285E, G287E.
Identifiers: ClinVar variation 4757913 (VCV004757913.1).
Genomic context (GRCh38, chr7:151,568,771, plus strand): 5'-CTTACAAAAAGCTGGAGGAACTTGAGGATTCTTTTGTGGGTAAGTATATAAAGTGCATTC[C>T]CACTGATAGGGTCAATAACGGGCAATCTGTGGATTTTATTTTTGATCAAGGAGTATACAG-3'
Protein context (NP_057287.2, residues 383-403): HRLPVIDPIS[Gly393Glu]NALYILTHKR

ClinVar aggregate classification (germline): Uncertain significance (1 of 4 stars; one submission).

Conditions:
Cardiomyopathy (CMYO). Also called: Cardiomyopathies. Identifiers: Orphanet 167848, MedGen C0878544, MONDO:0004994, HP:0001638. Inheritance: Various modes of inheritance.

Submission:

Color Diagnostics, LLC DBA Color Health
Classification: Uncertain significance for Cardiomyopathy. Last evaluated: 2025-08-25. Review status: criteria provided, single submitter. Criteria: ACMG Guidelines, 2015. Collection method: clinical testing. Allele origin: germline.
Comment: This missense variant replaces glycine with glutamic acid at codon 393 of the PRKAG2 protein. Computational prediction suggests that this variant may have deleterious impact on protein structure and function. To our knowledge, functional studies have not been reported for this variant. This variant has not been reported in individuals affected with PRKAG2-related disorders in the literature. This variant has not been identified in the general population by the Genome Aggregation Database (gnomAD). The available evidence is insufficient to determine the role of this variant in disease conclusively. Therefore, this variant is classified as a Variant of Uncertain Significance.